The following is an entry in ClinVar:

NM_020297.4(ABCC9):c.3313C>T (p.Gln1105Ter)

Gene: ABCC9 (ATP binding cassette subfamily C member 9; minus strand). Cytogenetic location: 12p12.1.
Variant type: single nucleotide variant.
Coding change: c.3313C>T on transcript NM_020297.4 (MANE Select); coding-DNA position 3313, C replaced by T.
Protein change: p.Gln1105Ter; replaces glutamine 1105 with a stop codon.
Molecular consequence: nonsense.
Genome position (GRCh38, 1-based): chr12:21,844,485, G>A on the plus strand (C>T on the coding strand, the complement: ABCC9 is on the minus strand). VCF-style: chr12-21844485-G-A. GRCh37 (hg19) VCF-style: chr12-21997419-G-A.
Other names: c.3313C>T, p.Gln1105Ter (NM_001377273.1, NM_005691.4); c.2446C>T, p.Gln816Ter (NM_001377274.1); short protein forms Q816*, Q1105*.
Identifiers: ClinVar variation 4725227 (VCV004725227.1).
Genomic context (GRCh38, chr12:21,844,485, plus strand): 5'-CTATTTAGCTTACATTGTGAAACTAATTTTTGAACTTGGAAGTAACCCAGTTACTCACCT[G>A]ATCAATGATATTAGTATCAGCTGAAAAGCGATTGAGAATCAGTCCCAGGGGTGTGGTATC-3'

ClinVar aggregate classification (germline): Pathogenic (1 of 4 stars; one submission).

Conditions:
Dilated cardiomyopathy 1O (CMD1O). Also called: CARDIOMYOPATHY, DILATED, WITH VENTRICULAR TACHYCARDIA. Identifiers: Orphanet 154, MedGen C1837839, MONDO:0012062, OMIM 608569.

Submission:

Labcorp Genetics (formerly Invitae), Labcorp
Classification: Pathogenic for Dilated cardiomyopathy 1O. Last evaluated: 2025-08-11. Review status: criteria provided, single submitter. Criteria: Invitae Variant Classification Sherloc (09022015). Collection method: clinical testing. Allele origin: germline.
Comment: This sequence change creates a premature translational stop signal (p.Gln1105*) in the ABCC9 gene. It is expected to result in an absent or disrupted protein product. Loss-of-function variants in ABCC9 are known to be pathogenic (PMID: 31575858, 38217872). This variant is not present in population databases (gnomAD no frequency). This variant has not been reported in the literature in individuals affected with ABCC9-related conditions. For these reasons, this variant has been classified as Pathogenic.

Literature cited by the submitters: PubMed 31575858; PubMed 38217872.